The following is an entry in ClinVar:

ClinVar aggregate classification (germline): Uncertain significance (1 of 4 stars; one submission).

Conditions:
Brugada syndrome. Also called: Sudden unexplained nocturnal death syndrome; Sudden Unexplained Death Syndrome; Sudden Unexplained Nocturnal Death Syndrome (SUNDS); Sudden unexpected nocturnal death syndrome. Identifiers: Orphanet 130, MedGen C1142166, MONDO:0015263.

gnomAD v4.1: 1 of 1,603,146 alleles (0.000062%); highest among the groups gnomAD compares: Non-Finnish European, 0.000085%; no homozygotes.

Submission:

Labcorp Genetics (formerly Invitae), Labcorp
Classification: Uncertain significance for Brugada syndrome. Last evaluated: 2021-03-07. Review status: criteria provided, single submitter. Criteria: Invitae Variant Classification Sherloc (09022015). Collection method: clinical testing. Allele origin: germline.
Comment: This sequence change creates a premature translational stop signal (p.Gln1424*) in the SCN10A gene. It is expected to result in an absent or disrupted protein product. However, the current clinical and genetic evidence is not sufficient to establish whether loss-of-function variants in SCN10A cause disease. This variant is not present in population databases (ExAC no frequency). This variant has not been reported in the literature in individuals with SCN10A-related conditions. In summary, the available evidence is currently insufficient to determine the role of this variant in disease. Therefore, it has been classified as a Variant of Uncertain Significance.

NM_006514.4(SCN10A):c.4270C>T (p.Gln1424Ter)

Gene: SCN10A (sodium voltage-gated channel alpha subunit 10; minus strand). Cytogenetic location: 3p22.2.
Variant type: single nucleotide variant.
Coding change: c.4270C>T on transcript NM_006514.4 (MANE Select); coding-DNA position 4270, C replaced by T.
Protein change: p.Gln1424Ter; replaces glutamine 1424 with a stop codon.
Molecular consequence: nonsense.
Genome position (GRCh38, 1-based): chr3:38,709,489, G>A on the plus strand (C>T on the coding strand, the complement: SCN10A is on the minus strand). VCF-style: chr3-38709489-G-A. GRCh37 (hg19) VCF-style: chr3-38750980-G-A.
Other names: c.4267C>T, p.Gln1423Ter (NM_001293306.2); c.3976C>T, p.Gln1326Ter (NM_001293307.2); short protein forms Q1424*, Q1326*, Q1423*.
Identifiers: ClinVar variation 1490635 (VCV001490635.6), dbSNP rs1027297455, ClinGen allele CA352149562.